The following is an entry in ClinVar:

NM_001083116.3(PRF1):c.479A>C (p.Gln160Pro)

Gene: PRF1 (perforin 1; minus strand). Cytogenetic location: 10q22.1.
Variant type: single nucleotide variant.
Coding change: c.479A>C on transcript NM_001083116.3 (MANE Select); coding-DNA position 479, A replaced by C.
Protein change: p.Gln160Pro; replaces glutamine 160 with proline.
Molecular consequence: missense variant.
Genome position (GRCh38, 1-based): chr10:70,600,424, T>G on the plus strand (A>C on the coding strand, the complement: PRF1 is on the minus strand). VCF-style: chr10-70600424-T-G. GRCh37 (hg19) VCF-style: chr10-72360180-T-G.
Other names: c.479A>C, p.Gln160Pro (NM_005041.6); short protein forms Q160P.
Identifiers: ClinVar variation 959759 (VCV000959759.9), dbSNP rs1848204757, ClinGen allele CA376959341.
Genomic context (GRCh38, chr10:70,600,424, plus strand): 5'-CTGTAGAAGCGGCACTCCACCGTGTCAGTGCTGAAGCTGTACTGGTCCTGGTGGGTCTTC[T>G]GGGCTGCAAAGTTGGCTGCCTGTGAGTGTGAGCCGGCCACAGACACATGCACATTGCTGG-3'
Protein context (NP_001076585.1, residues 150-170): SHSQAANFAA[Gln160Pro]KTHQDQYSFS

ClinVar aggregate classification (germline): Uncertain significance (1 of 4 stars; one submission).

Conditions:
Familial hemophagocytic lymphohistiocytosis 2 (FHL2). Also called: PRF1-Related Familial Hemophagocytic Lymphohistiocytosis (PRF1-fHLH). Identifiers: Orphanet 540, MedGen C1863727, MONDO:0011337, OMIM 603553.

Allele frequency attached by ClinVar (database versions not stated): gnomAD exomes below 0.00001.
gnomAD v4.1: 3 of 1,614,174 alleles (0.00019%); highest among the groups gnomAD compares: Non-Finnish European, 0.00025%; no homozygotes.

Submission:

Labcorp Genetics (formerly Invitae), Labcorp
Classification: Uncertain significance for Familial hemophagocytic lymphohistiocytosis 2. Last evaluated: 2019-09-12. Review status: criteria provided, single submitter. Criteria: Invitae Variant Classification Sherloc (09022015). Collection method: clinical testing. Allele origin: germline.
Comment: This sequence change replaces glutamine with proline at codon 160 of the PRF1 protein (p.Gln160Pro). The glutamine residue is weakly conserved and there is a moderate physicochemical difference between glutamine and proline. In summary, the available evidence is currently insufficient to determine the role of this variant in disease. Therefore, it has been classified as a Variant of Uncertain Significance. Algorithms developed to predict the effect of missense changes on protein structure and function are either unavailable or do not agree on the potential impact of this missense change (SIFT: "Tolerated"; PolyPhen-2: "Possibly Damaging"; Align-GVGD: "Class C0"). This variant has not been reported in the literature in individuals with PRF1-related conditions. This variant is not present in population databases (ExAC no frequency).